The following is an entry in ClinVar:

ClinVar aggregate classification (germline): Benign. Review status: criteria provided, multiple submitters, no conflicts (2 of 4 stars). 3 submissions from 3 submitters: Benign (3). Last evaluated 2017-01-18.

Allele frequency attached by ClinVar (database versions not stated): gnomAD 0.00421 and 0.00451; gnomAD exomes 0.00113 and 0.00040; TOPMed 0.00476; ESP Exome Variant Server 0.00561; ExAC 0.00152; 1000 Genomes Project 0.00379; 1000 Genomes Project 30x 0.00406.

Submissions (3):

GeneDx
Classification: Benign. Last evaluated: 2017-01-18. Review status: criteria provided, single submitter. Criteria: GeneDx Variant Classification (06012015). Collection method: clinical testing. Allele origin: germline. Affected: yes.
Comment: This variant is considered likely benign or benign based on one or more of the following criteria: it is a conservative change, it occurs at a poorly conserved position in the protein, it is predicted to be benign by multiple in silico algorithms, and/or has population frequency not consistent with disease.

Laboratory for Molecular Medicine, Mass General Brigham Personalized Medicine
Classification: Benign. Last evaluated: 2014-11-24. Review status: criteria provided, single submitter. Criteria: LMM Criteria. Collection method: clinical testing. Allele origin: germline. Observed: 3 variant alleles.
Comment: Asp163Gly in exon 2 of MURC: This variant is not expected to have clinical signi ficance because it has been identified in 1.7% (73/4406) of African American chr omosomes from a broad population by the NHLBI Exome Sequencing Project (dbSNP rs111884608).

Breakthrough Genomics
Classification: Benign. Review status: criteria provided, single submitter. Criteria: ACMG Guidelines, 2015. Collection method: not provided. Allele origin: germline. Inheritance: Unknown mechanism. Affected: yes.

NM_001018116.2(CAVIN4):c.488A>G (p.Asp163Gly)

Gene: CAVIN4 (caveolae associated protein 4; plus strand). Cytogenetic location: 9q31.1.
Variant type: single nucleotide variant.
Coding change: c.488A>G on transcript NM_001018116.2 (MANE Select); coding-DNA position 488, A replaced by G.
Protein change: p.Asp163Gly; replaces aspartic acid 163 with glycine.
Molecular consequence: missense variant.
Genome position (GRCh38, 1-based): chr9:100,585,844, A>G. VCF-style: chr9-100585844-A-G. GRCh37 (hg19) VCF-style: chr9-103348126-A-G.
Other names: short protein forms D163G.
Identifiers: ClinVar variation 226740 (VCV000226740.5), dbSNP rs111884608, ClinGen allele CA5160094.